The following is an entry in ClinVar:

NM_138459.5(NUS1):c.503C>A (p.Ser168Ter)

Gene: NUS1 (NUS1 dehydrodolichyl diphosphate synthase subunit; plus strand). Cytogenetic location: 6q22.1.
Variant type: single nucleotide variant.
Coding change: c.503C>A on transcript NM_138459.5 (MANE Select); coding-DNA position 503, C replaced by A.
Protein change: p.Ser168Ter; replaces serine 168 with a stop codon.
Molecular consequence: nonsense.
Genome position (GRCh38, 1-based): chr6:117,693,129, C>A. VCF-style: chr6-117693129-C-A. GRCh37 (hg19) VCF-style: chr6-118014292-C-A.
Other names: short protein forms S168*.
Identifiers: ClinVar variation 4861255 (VCV004861255.1).

ClinVar aggregate classification (germline): Pathogenic (1 of 4 stars; one submission).

Conditions:
Inborn genetic diseases. Identifiers: MedGen C0950123, MeSH D030342.

Submission:

Ambry Genetics
Classification: Pathogenic for Inborn genetic diseases. Last evaluated: 2026-05-18. Review status: criteria provided, single submitter. Criteria: Ambry Variant Classification Scheme 2023. Collection method: clinical testing. Allele origin: germline.
Comment: The c.503C>A (p.S168*) alteration, located in exon 2 (coding exon 2) of the NUS1 gene, consists of a C to A substitution at nucleotide position 503. This changes the amino acid from a serine (S) to a stop codon at amino acid position 168. This variant is expected to result in loss of function by premature protein truncation or nonsense-mediated mRNA decay. This variant was not reported in population-based cohorts in the Genome Aggregation Database (gnomAD). Based on the available evidence, this alteration is classified as pathogenic.